The following is an entry in ClinVar:

ClinVar aggregate classification (germline): Uncertain significance (1 of 4 stars; one submission).

Conditions:
Combined immunodeficiency due to LRBA deficiency. Also called: Common variable immunodeficiency 8, with autoimmunity. Identifiers: Orphanet 445018, MedGen C3553512, MONDO:0013863, OMIM 614700.

Allele frequency attached by ClinVar (database versions not stated): gnomAD exomes below 0.00001.
gnomAD v4.1: 4 of 1,604,862 alleles (0.00025%); highest among the groups gnomAD compares: Non-Finnish European, 0.00034%; no homozygotes.

Submission:

Labcorp Genetics (formerly Invitae), Labcorp
Classification: Uncertain significance for Combined immunodeficiency due to LRBA deficiency. Last evaluated: 2023-07-09. Review status: criteria provided, single submitter. Criteria: Invitae Variant Classification Sherloc (09022015). Collection method: clinical testing. Allele origin: germline.
Comment: This sequence change replaces arginine, which is basic and polar, with glycine, which is neutral and non-polar, at codon 1558 of the LRBA protein (p.Arg1558Gly). This variant is not present in population databases (gnomAD no frequency). This variant has not been reported in the literature in individuals affected with LRBA-related conditions. An algorithm developed to predict the effect of missense changes on protein structure and function (PolyPhen-2) suggests that this variant is likely to be tolerated. In summary, the available evidence is currently insufficient to determine the role of this variant in disease. Therefore, it has been classified as a Variant of Uncertain Significance.

NM_001364905.1(LRBA):c.4672A>G (p.Arg1558Gly)

Gene: LRBA (LPS responsive beige-like anchor protein; minus strand). Cytogenetic location: 4q31.3.
Variant type: single nucleotide variant.
Coding change: c.4672A>G on transcript NM_001364905.1 (MANE Select); coding-DNA position 4672, A replaced by G.
Protein change: p.Arg1558Gly; replaces arginine 1558 with glycine.
Molecular consequence: missense variant.
Genome position (GRCh38, 1-based): chr4:150,831,874, T>C on the plus strand (A>G on the coding strand, the complement: LRBA is on the minus strand). VCF-style: chr4-150831874-T-C. GRCh37 (hg19) VCF-style: chr4-151753026-T-C.
Other names: c.4672A>G, p.Arg1558Gly (NM_001199282.3, NM_001367550.1, NM_006726.5); short protein forms R1558G.
Identifiers: ClinVar variation 2800288 (VCV002800288.3), dbSNP rs2546433559, ClinGen allele CA358446469.